The following is an entry in ClinVar:

NM_001267550.2(TTN):c.88895-1G>A

Genes: TTN (titin; minus strand), TTN-AS1 (TTN antisense RNA 1; plus strand). Cytogenetic location: 2q31.2.
Variant type: single nucleotide variant.
Coding change: c.88895-1G>A on transcript NM_001267550.2 (MANE Select); the canonical splice acceptor site of the intron before coding-DNA position 88895, G replaced by A.
Molecular consequence: splice acceptor variant.
Genome position (GRCh38, 1-based): chr2:178,554,217, C>T on the plus strand (G>A on the coding strand, the complement: TTN is on the minus strand). VCF-style: chr2-178554217-C-T. GRCh37 (hg19) VCF-style: chr2-179418944-C-T.
Other names: c.61700-1G>A (NM_003319.4); c.62276-1G>A (NM_133437.4); c.62075-1G>A (NM_133432.3); c.81191-1G>A (NM_133378.4); c.83972-1G>A (NM_001256850.1).
Identifiers: ClinVar variation 644361 (VCV000644361.12), dbSNP rs1575540533, ClinGen allele CA349522393.

ClinVar aggregate classification (germline): Likely pathogenic. Review status: criteria provided, multiple submitters, no conflicts (2 of 4 stars). 2 submissions from 2 submitters: Likely pathogenic (2). Last evaluated 2025-02-12.

Conditions:
Dilated cardiomyopathy 1G (CMD1G). Identifiers: Orphanet 154, MedGen C1858763, MONDO:0011400, OMIM 604145.
Autosomal recessive limb-girdle muscular dystrophy type 2J (LGMDR10). Also called: Limb-girdle muscular dystrophy, type 2J; MUSCULAR DYSTROPHY, LIMB-GIRDLE, AUTOSOMAL RECESSIVE 10. Identifiers: Orphanet 140922, MedGen C1837342, MONDO:0012127, OMIM 608807.

Submissions (2):

Labcorp Genetics (formerly Invitae), Labcorp
Classification: Likely pathogenic for Dilated cardiomyopathy 1G; Autosomal recessive limb-girdle muscular dystrophy type 2J. Last evaluated: 2025-02-12. Review status: criteria provided, single submitter. Criteria: Invitae Variant Classification Sherloc (09022015). Collection method: clinical testing. Allele origin: germline.
Comment: This sequence change affects an acceptor splice site in intron 332 of the TTN gene. It is expected to disrupt RNA splicing and likely results in a truncated or disrupted TTN protein. This variant is not present in population databases (gnomAD no frequency). This variant has not been reported in the literature in individuals affected with TTN-related conditions. ClinVar contains an entry for this variant (Variation ID: 644361). Algorithms developed to predict the effect of sequence changes on RNA splicing suggest that this variant may disrupt the consensus splice site. This variant is located in the A band of TTN (PMID: 25589632). Truncating variants in this region are significantly overrepresented in patients affected with dilated cardiomyopathy (PMID: 25589632). Truncating variants in this region have also been reported in individuals affected with autosomal recessive centronuclear myopathy (PMID: 23975875). In summary, the currently available evidence indicates that the variant is pathogenic, but additional data are needed to prove that conclusively. Therefore, this variant has been classified as Likely Pathogenic.

Juno Genomics, Hangzhou Juno Genomics, Inc
Classification: Likely pathogenic for Dilated cardiomyopathy 1G. Review status: criteria provided, single submitter. Criteria: ACMG Guidelines, 2015. Collection method: clinical testing. Allele origin: germline.
Comment: Absent from controls (or at extremely low frequency if recessive) in Genome Aggregation Database.;Null variant in a gene where loss of function (LOF) is a known mechanism of disease.

Literature cited by the submitters: PubMed 25589632 (cited by Labcorp Genetics (formerly Invitae), Labcorp); PubMed 23975875 (cited by Labcorp Genetics (formerly Invitae), Labcorp).